The following is an entry in ClinVar:

ClinVar aggregate classification (germline): Conflicting classifications of pathogenicity. Review status: criteria provided, conflicting classifications (1 of 4 stars). 3 submissions from 3 submitters: Uncertain significance (2); Benign (1). Last evaluated 2026-01-11.

Conditions:
Hereditary cancer-predisposing syndrome. Also called: Hereditary Cancer Syndrome; Tumor predisposition; Neoplastic Syndromes, Hereditary; Hereditary neoplastic syndrome. Identifiers: Orphanet 140162, MedGen C0027672, MeSH D009386, MONDO:0015356.
Familial meningioma. Also called: Meningioma, familial, susceptibility to. Identifiers: Orphanet 263662, MedGen C3551915, MONDO:0011789, OMIM 607174.
Gorlin syndrome. Also called: Basal cell nevus syndrome; Nevoid Basal Cell Carcinoma Syndrome. Identifiers: Orphanet 377, MedGen C0004779, MONDO:0007187.
Medulloblastoma (MDB). Also called: Medulloblastoma, somatic; MEDULLOBLASTOMA PREDISPOSITION SYNDROME. Identifiers: Orphanet 616, MedGen C0025149, MeSH D008527, MONDO:0007959, OMIM 155255, HP:0002885.

Allele frequency attached by ClinVar (database versions not stated): gnomAD 0.00001; TOPMed 0.00002.
gnomAD v4.1: 37 of 1,614,096 alleles (0.0023%); highest among the groups gnomAD compares: Non-Finnish European, 0.0031%; no homozygotes.

Submissions (3):

Labcorp Genetics (formerly Invitae), Labcorp
Classification: Uncertain significance for Gorlin syndrome; Medulloblastoma. Last evaluated: 2026-01-11. Review status: criteria provided, single submitter. Criteria: Invitae Variant Classification Sherloc (09022015). Collection method: clinical testing. Allele origin: germline.
Comment: This sequence change replaces threonine, which is neutral and polar, with arginine, which is basic and polar, at codon 110 of the SUFU protein (p.Thr110Arg). This variant is present in population databases (no rsID available, gnomAD 0.002%). This variant has not been reported in the literature in individuals affected with SUFU-related conditions. ClinVar contains an entry for this variant (Variation ID: 648539). Invitae Evidence Modeling of protein sequence and biophysical properties (such as structural, functional, and spatial information, amino acid conservation, physicochemical variation, residue mobility, and thermodynamic stability) indicates that this missense variant is not expected to disrupt SUFU protein function with a negative predictive value of 80%. In summary, the available evidence is currently insufficient to determine the role of this variant in disease. Therefore, it has been classified as a Variant of Uncertain Significance.

Baylor Genetics
Classification: Uncertain significance for Familial meningioma. Last evaluated: 2024-02-19. Review status: criteria provided, single submitter. Criteria: ACMG Guidelines, 2015. Collection method: clinical testing. Allele origin: unknown.

Ambry Genetics
Classification: Benign for Hereditary cancer-predisposing syndrome. Last evaluated: 2023-12-08. Review status: criteria provided, single submitter. Criteria: Ambry Variant Classification Scheme 2023. Collection method: clinical testing. Allele origin: germline.

NM_016169.4(SUFU):c.329C>G (p.Thr110Arg)

Gene: SUFU (SUFU negative regulator of hedgehog signaling; plus strand). Cytogenetic location: 10q24.32.
Variant type: single nucleotide variant.
Coding change: c.329C>G on transcript NM_016169.4 (MANE Select); coding-DNA position 329, C replaced by G.
Protein change: p.Thr110Arg; replaces threonine 110 with arginine.
Molecular consequence: missense variant.
Genome position (GRCh38, 1-based): chr10:102,549,981, C>G. VCF-style: chr10-102549981-C-G. GRCh37 (hg19) VCF-style: chr10-104309738-C-G.
Other names: c.329C>G, p.Thr110Arg (NM_001178133.2); short protein forms T110R.
Identifiers: ClinVar variation 648539 (VCV000648539.14), dbSNP rs1171604398, ClinGen allele CA377903009.
Genomic context (GRCh38, chr10:102,549,981, plus strand): 5'-TTTTCCTAAGGTAATTGAGCTTAAAACACTTGCTTTTTATGTCTTTCAGGTTTACAGGAA[C>G]AGATGGACCTAGTGGTTTTGGCTTTGAGTTGACCTTTCGTCTGAAGAGAGAAACTGGGGA-3'
Protein context (NP_057253.2, residues 100-120): GDNRVHEFTG[Thr110Arg]DGPSGFGFEL